The following is an entry in ClinVar:

ClinVar aggregate classification (germline): Uncertain significance (1 of 4 stars; one submission).

Submission:

Labcorp Genetics (formerly Invitae), Labcorp
Classification: Uncertain significance. Last evaluated: 2025-06-02. Review status: criteria provided, single submitter. Criteria: Invitae Variant Classification Sherloc (09022015). Collection method: clinical testing. Allele origin: germline.
Comment: This sequence change replaces methionine, which is neutral and non-polar, with threonine, which is neutral and polar, at codon 438 of the COL11A1 protein (p.Met438Thr). This variant is not present in population databases (gnomAD no frequency). This variant has not been reported in the literature in individuals affected with COL11A1-related conditions. ClinVar contains an entry for this variant (Variation ID: 2770360). Invitae Evidence Modeling of protein sequence and biophysical properties (such as structural, functional, and spatial information, amino acid conservation, physicochemical variation, residue mobility, and thermodynamic stability) indicates that this missense variant is not expected to disrupt COL11A1 protein function with a negative predictive value of 80%. In summary, the available evidence is currently insufficient to determine the role of this variant in disease. Therefore, it has been classified as a Variant of Uncertain Significance.

NM_001854.4(COL11A1):c.1313T>C (p.Met438Thr)

Gene: COL11A1 (collagen type XI alpha 1 chain; minus strand). Cytogenetic location: 1p21.1.
Variant type: single nucleotide variant.
Coding change: c.1313T>C on transcript NM_001854.4 (MANE Select); coding-DNA position 1313, T replaced by C.
Protein change: p.Met438Thr; replaces methionine 438 with threonine.
Molecular consequence: missense variant. On other transcripts: non-coding transcript variant (1).
Genome position (GRCh38, 1-based): chr1:103,018,855, A>G on the plus strand (T>C on the coding strand, the complement: COL11A1 is on the minus strand). VCF-style: chr1-103018855-A-G. GRCh37 (hg19) VCF-style: chr1-103484411-A-G.
Other names: c.965T>C, p.Met322Thr (NM_001168249.1, NM_080630.4); c.1196T>C, p.Met399Thr (NM_001190709.2); c.1349T>C, p.Met450Thr (NM_080629.3); short protein forms M438T, M450T, M322T, M399T.
Identifiers: ClinVar variation 2770360 (VCV002770360.3), dbSNP rs1666773097, ClinGen allele CA341180496.
Genomic context (GRCh38, chr1:103,018,855, plus strand): 5'-ATAATCTTAAAACATTTACATACTGCAGGTCCTGCTGGTCCTGGTGGTCCTTCGACAAGC[A>G]TACCCTATAACAGGAAAAGAGAACATCTCTACCAGGGAAATATAACCCCCAACCTCTTAA-3'
Protein context (NP_001845.3, residues 428-448): KGEPAVVEPG[Met438Thr]LVEGPPGPAG